The following is an entry in ClinVar:

NM_152564.5(VPS13B):c.11216-2A>G

Gene: VPS13B (vacuolar protein sorting 13 homolog B; plus strand). Cytogenetic location: 8q22.2.
Variant type: single nucleotide variant.
Coding change: c.11216-2A>G on transcript NM_152564.5 (MANE Select); the canonical splice acceptor site of the intron before coding-DNA position 11216, A replaced by G.
Molecular consequence: splice acceptor variant.
Genome position (GRCh38, 1-based): chr8:99,868,287, A>G. VCF-style: chr8-99868287-A-G. GRCh37 (hg19) VCF-style: chr8-100880515-A-G.
Other names: c.11291-2A>G (NM_017890.5).
Identifiers: ClinVar variation 554203 (VCV000554203.9), dbSNP rs867112705, ClinGen allele CA182328506.
Genomic context (GRCh38, chr8:99,868,287, plus strand): 5'-GAGCCTTTCATTTTCCGAGGATTTTAAGCCTCTGTCCTTACTGAGGGCTTTTGTTATTCC[A>G]GGTGCAATTGCTGGTATAGTTGATCAGCCGATGCAGAACTTCCAGAAAACATCTGAGGCA-3'

ClinVar aggregate classification (germline): Pathogenic. Review status: criteria provided, single submitter (1 of 4 stars). 2 submissions from 2 submitters: Pathogenic (1). 1 of the submissions does not count toward it. Last evaluated 2024-10-24.

Conditions:
Cohen syndrome (COH1). Also called: Cutis verticis gyrata, retinitis pigmentosa, and sensorineural deafness; PEPPER SYNDROME. Identifiers: Orphanet 193, MedGen C0265223, MONDO:0008999, OMIM 216550.

Allele frequency attached by ClinVar (database versions not stated): gnomAD exomes below 0.00001; TOPMed below 0.00001.
gnomAD v4.1: 2 of 1,614,116 alleles (0.00012%); highest among the groups gnomAD compares: Non-Finnish European, 0.00017%; no homozygotes.

Submissions (3):

Labcorp Genetics (formerly Invitae), Labcorp
Classification: Pathogenic for Cohen syndrome. Last evaluated: 2024-10-24. Review status: criteria provided, single submitter. Criteria: Invitae Variant Classification Sherloc (09022015). Collection method: clinical testing. Allele origin: germline.
Comment: This sequence change affects an acceptor splice site in intron 58 of the VPS13B gene. It is expected to disrupt RNA splicing. Variants that disrupt the donor or acceptor splice site typically lead to a loss of protein function (PMID: 16199547), and loss-of-function variants in VPS13B are known to be pathogenic (PMID: 15141358, 16648375, 20461111). This variant is not present in population databases (gnomAD no frequency). Disruption of this splice site has been observed in individual(s) with clinical features of Cohen syndrome (internal data). In at least one individual the data is consistent with being in trans (on the opposite chromosome) from a pathogenic variant. ClinVar contains an entry for this variant (Variation ID: 554203). Algorithms developed to predict the effect of sequence changes on RNA splicing suggest that this variant may disrupt the consensus splice site. For these reasons, this variant has been classified as Pathogenic.

Counsyl
Classification: Likely pathogenic for Cohen syndrome. Last evaluated: 2017-09-29. Review status: no assertion criteria provided. Collection method: clinical testing. Allele origin: unknown. Not counted in ClinVar's aggregate classification.

Dr. Peter K. Rogan Lab, Western University
No classification provided (evidence only). Condition: Ovarian serous cystadenocarcinoma. Review status: no classification provided. Collection method: in vitro. Allele origin: not applicable. Functional consequence: retained intron. Not counted in ClinVar's aggregate classification.

Literature cited by the submitters: PubMed 16199547 (cited by Labcorp Genetics (formerly Invitae), Labcorp); PubMed 15141358 (cited by Labcorp Genetics (formerly Invitae), Labcorp); PubMed 16648375 (cited by Labcorp Genetics (formerly Invitae), Labcorp); PubMed 20461111 (cited by Labcorp Genetics (formerly Invitae), Labcorp).